The following is an entry in ClinVar:

NM_033337.3(CAV3):c.399C>T (p.Phe133=)

Genes: CAV3 (caveolin 3; plus strand), OXTR (oxytocin receptor; minus strand). Cytogenetic location: 3p25.3.
Variant type: single nucleotide variant.
Coding change: c.399C>T on transcript NM_033337.3 (MANE Select); coding-DNA position 399, C replaced by T.
Protein change: p.Phe133=; no amino-acid change (phenylalanine 133 retained).
Molecular consequence: synonymous variant.
Genome position (GRCh38, 1-based): chr3:8,745,810, C>T. VCF-style: chr3-8745810-C-T. GRCh37 (hg19) VCF-style: chr3-8787496-C-T.
Other names: p.Phe133=; c.399C>T, p.Phe133= (NM_001234.5).
Identifiers: ClinVar variation 281822 (VCV000281822.23), dbSNP rs769859957, ClinGen allele CA2236360.

ClinVar aggregate classification (germline): Conflicting classifications of pathogenicity. Review status: criteria provided, conflicting classifications (1 of 4 stars). 7 submissions from 7 submitters: Uncertain significance (1); Benign (2); Likely benign (3). 1 of the submissions does not count toward it. Last evaluated 2026-01-07.

Conditions:
Cardiovascular phenotype. Identifiers: MedGen CN230736.
CAV3-related disorder. Also called: CAV3-related condition.
Long QT syndrome (LQTS). Identifiers: MedGen C0023976, MeSH D008133, MONDO:0002442. Disease mechanism: loss of function. Inheritance: Various modes of inheritance.

Allele frequency attached by ClinVar (database versions not stated): ExAC 0.00007; TOPMed 0.00007.
gnomAD v4.1: 83 of 1,613,764 alleles (0.0051%); highest among the groups gnomAD compares: Middle Eastern, 0.066%; 1 homozygote.

Submissions (7):

Labcorp Genetics (formerly Invitae), Labcorp
Classification: Likely benign for Long QT syndrome. Last evaluated: 2026-01-07. Review status: criteria provided, single submitter. Criteria: Invitae Variant Classification Sherloc (09022015). Collection method: clinical testing. Allele origin: germline.

Mayo Clinic Laboratories, Mayo Clinic
Classification: Likely benign. Last evaluated: 2025-10-03. Review status: criteria provided, single submitter. Criteria: ACMG Guidelines, 2015. Collection method: clinical testing. Allele origin: germline. Observed: 1 variant allele.
Comment: BP4, BP7

Women's Health and Genetics/Laboratory Corporation of America, LabCorp
Classification: Benign. Last evaluated: 2023-10-09. Review status: criteria provided, single submitter. Criteria: LabCorp Variant Classification Summary - May 2015. Collection method: clinical testing. Allele origin: germline.

Ambry Genetics
Classification: Likely benign for Cardiovascular phenotype. Last evaluated: 2019-05-23. Review status: criteria provided, single submitter. Criteria: Ambry Variant Classification Scheme 2023. Collection method: clinical testing. Allele origin: germline.

Eurofins Ntd Llc (ga)
Classification: Uncertain significance. Last evaluated: 2017-11-28. Review status: criteria provided, single submitter. Criteria: EGL Classification Definitions 2015. Collection method: clinical testing. Allele origin: germline. Observed: 4 variant alleles, 4 heterozygotes.

GeneDx
Classification: Benign. Last evaluated: 2015-03-03. Review status: criteria provided, single submitter. Criteria: GeneDx Variant Classification Process June 2021. Collection method: clinical testing. Allele origin: germline. Affected: yes.

PreventionGenetics, part of Exact Sciences
Classification: Likely benign for CAV3-related condition. Last evaluated: 2020-10-02. Review status: no assertion criteria provided. Collection method: clinical testing. Allele origin: germline. Not counted in ClinVar's aggregate classification.
Comment: This variant is classified as likely benign based on ACMG/AMP sequence variant interpretation guidelines (Richards et al. 2015 PMID: 25741868, with internal and published modifications).